The following is an entry in ClinVar:

NM_000428.3(LTBP2):c.2908+1G>A

Gene: LTBP2 (latent transforming growth factor beta binding protein 2; minus strand). Cytogenetic location: 14q24.3.
Variant type: single nucleotide variant.
Coding change: c.2908+1G>A on transcript NM_000428.3 (MANE Select); the canonical splice donor site of the intron after coding-DNA position 2908, G replaced by A.
Molecular consequence: splice donor variant.
Genome position (GRCh38, 1-based): chr14:74,516,821, C>T on the plus strand (G>A on the coding strand, the complement: LTBP2 is on the minus strand). VCF-style: chr14-74516821-C-T. GRCh37 (hg19) VCF-style: chr14-74983524-C-T.
Identifiers: ClinVar variation 1515466 (VCV001515466.6), dbSNP rs201872469, ClinGen allele CA263586562.
Genomic context (GRCh38, chr14:74,516,821, plus strand): 5'-CGTAGGGAGGGACAGGTGGGTGGTGGGGTGGCAGGGCGCTTCCCTCCTTCCCGTTCCTTA[C>T]CTTGGCAGTGTCCTTTCCTGACCATGATGTAGCCCTGATCACACTCGCAGTGGTACGAGC-3'

ClinVar aggregate classification (germline): Likely pathogenic (1 of 4 stars; one submission).

Allele frequency attached by ClinVar (database versions not stated): gnomAD exomes 0.00001; 1000 Genomes Project 30x 0.00016; gnomAD 0.00017 and 0.00019; 1000 Genomes Project 0.00020; TOPMed 0.00034.
gnomAD v4.1: 45 of 1,551,802 alleles (0.0029%); highest among the groups gnomAD compares: Admixed American, 0.071%; no homozygotes.

Submission:

Labcorp Genetics (formerly Invitae), Labcorp
Classification: Likely pathogenic. Last evaluated: 2026-01-26. Review status: criteria provided, single submitter. Criteria: Invitae Variant Classification Sherloc (09022015). Collection method: clinical testing. Allele origin: germline.
Comment: This sequence change affects a donor splice site in intron 18 of the LTBP2 gene. It is expected to disrupt RNA splicing. Variants that disrupt the donor or acceptor splice site typically lead to a loss of protein function (PMID: 16199547), and loss-of-function variants in LTBP2 are known to be pathogenic (PMID: 19361779, 19656777, 22025892). This variant is present in population databases (rs201872469, gnomAD 0.008%). This variant has not been reported in the literature in individuals affected with LTBP2-related conditions. ClinVar contains an entry for this variant (Variation ID: 1515466). Algorithms developed to predict the effect of sequence changes on RNA splicing suggest that this variant may disrupt the consensus splice site. In summary, the currently available evidence indicates that the variant is pathogenic, but additional data are needed to prove that conclusively. Therefore, this variant has been classified as Likely Pathogenic.

Literature cited by the submitters: PubMed 16199547; PubMed 19361779; PubMed 19656777; PubMed 22025892.